The following is an entry in ClinVar:

NC_000008.10:g.(?_94808184)_(94818223_?)del

Gene: TMEM67 (transmembrane protein 67; plus strand). Cytogenetic location: 8q22.1.
Variant type: Deletion.
Identifiers: ClinVar variation 2427443 (VCV002427443.6).

ClinVar aggregate classification (germline): Pathogenic (1 of 4 stars; one submission).

Conditions:
Joubert syndrome. Also called: CEREBELLOPARENCHYMAL DISORDER IV; JOUBERT-BOLTSHAUSER SYNDROME; Familial aplasia of the vermis. Identifiers: Orphanet 475, MedGen C5979921, MONDO:0018772.
Meckel-Gruber syndrome. Also called: DYSENCEPHALIA SPLANCHNOCYSTICA; GRUBER SYNDROME; Dysencephalia splachnocystica. Identifiers: Orphanet 564, MedGen C0265215, MONDO:0018921.

Submission:

Labcorp Genetics (formerly Invitae), Labcorp
Classification: Pathogenic for Joubert syndrome; Meckel-Gruber syndrome. Last evaluated: 2022-06-05. Review status: criteria provided, single submitter. Criteria: Invitae Variant Classification Sherloc (09022015). Collection method: clinical testing. Allele origin: germline.
Comment: This sequence change is a complex rearrangement that results in the deletion of exons 18-23 of the TMEM67 gene. There is also some indication that the surrounding sequence (exons 18-23) could be disrupted, but the exact nature of this event is unknown. This variant has not been reported in the literature in individuals affected with TMEM67-related conditions. This variant disrupts a region of the TMEM67 protein in which other variant(s) (p.Cys615Arg) have been determined to be pathogenic (PMID: 19508969, 19540516, 19574260, 20607301, 21068128, 23559409). This suggests that this is a clinically significant region of the protein, and that variants that disrupt it are likely to be disease-causing. For these reasons, this variant has been classified as Pathogenic.

Literature cited by the submitters: PubMed 19508969; PubMed 19540516; PubMed 19574260; PubMed 20607301; PubMed 21068128; PubMed 23559409.